The following is an entry in ClinVar:

NM_003901.4(SGPL1):c.674C>A (p.Ala225Asp)

Gene: SGPL1 (sphingosine-1-phosphate lyase 1; plus strand). Cytogenetic location: 10q22.1.
Variant type: single nucleotide variant.
Coding change: c.674C>A on transcript NM_003901.4 (MANE Select); coding-DNA position 674, C replaced by A.
Protein change: p.Ala225Asp; replaces alanine 225 with aspartic acid.
Molecular consequence: missense variant.
Genome position (GRCh38, 1-based): chr10:70,868,403, C>A. VCF-style: chr10-70868403-C-A. GRCh37 (hg19) VCF-style: chr10-72628160-C-A.
Other names: c.674C>A (NM_003901.3); short protein forms A225D.
Identifiers: ClinVar variation 2709703 (VCV002709703.4), dbSNP rs777327598, ClinGen allele CA377121931.

ClinVar aggregate classification (germline): Conflicting classifications of pathogenicity. Review status: criteria provided, conflicting classifications (1 of 4 stars). 2 submissions from 2 submitters: Pathogenic (1); Uncertain significance (1). Last evaluated 2026-06-05.

Conditions:
Nephrotic syndrome 14. Also called: RENAL, ENDOCRINE, NEUROLOGIC, AND IMMUNE SYNDROME; RENI SYNDROME; Sphingosine Phosphate Lyase Insufficiency Syndrome. Identifiers: Orphanet 506334, MedGen C4540559, MONDO:0033203, OMIM 617575.

Submissions (2):

Stanford Starfish Project, Stanford University
Classification: Pathogenic for Nephrotic syndrome 14. Last evaluated: 2026-06-05. Review status: criteria provided, single submitter. Criteria: ACMG Guidelines, 2015. Collection method: provider interpretation. Allele origin: paternal. Inheritance: Autosomal recessive inheritance. Affected: yes. Observed: 1 variant allele, 1 compound heterozygote.
Comment: This sequence change replaces alanine, which is neutral and non-polar, with aspartic acid, which is acidic and polar, at amino acid 225 (p.Ala225Asp). This variant has not been reported in large population databases. See Observation 1 for details on clinical features. Variant confirmed to be in trans with pathogenic variant in SGPL1 (c.1483C>T, p.Arg495*).

Labcorp Genetics (formerly Invitae), Labcorp
Classification: Uncertain significance. Last evaluated: 2024-04-25. Review status: criteria provided, single submitter. Criteria: Invitae Variant Classification Sherloc (09022015). Collection method: clinical testing. Allele origin: germline.
Comment: This sequence change replaces alanine, which is neutral and non-polar, with aspartic acid, which is acidic and polar, at codon 225 of the SGPL1 protein (p.Ala225Asp). This variant is not present in population databases (gnomAD no frequency). This variant has not been reported in the literature in individuals affected with SGPL1-related conditions. Advanced modeling of protein sequence and biophysical properties (such as structural, functional, and spatial information, amino acid conservation, physicochemical variation, residue mobility, and thermodynamic stability) performed at Invitae indicates that this missense variant is expected to disrupt SGPL1 protein function with a positive predictive value of 80%. In summary, the available evidence is currently insufficient to determine the role of this variant in disease. Therefore, it has been classified as a Variant of Uncertain Significance.